The following is an entry in ClinVar:

ClinVar aggregate classification (germline): Uncertain significance (1 of 4 stars; one submission).

Conditions:
Intellectual developmental disorder, X-linked, syndromic, Snyder-Robinson type. Also called: X-linked mental retardation Snyder - Robinson type; SNYDER-ROBINSON MENTAL RETARDATION SYNDROME; Spermine synthase deficiency; Syndromic X-linked intellectual disability Snyder type. Identifiers: Orphanet 3063, MedGen C0796160, MONDO:0010664, OMIM 309583.

Submission:

3billion
Classification: Uncertain significance for Intellectual developmental disorder, X-linked, syndromic, Snyder-Robinson type. Last evaluated: 2024-11-07. Review status: criteria provided, single submitter. Criteria: ACMG Guidelines, 2015. Collection method: clinical testing. Allele origin: germline. Affected: yes.
Comment: The variant is not observed in the gnomAD v4.1.0 dataset. Predicted Consequence/Location: Missense variant. Missense changes are a common disease-causing mechanism. Damaging effect on gene or gene product predicted by in silico programs is uncertain [REVEL: 0.39 (damaging >=0.6, benign <0.4), 3Cnet: 0.40 (damaging >=0.6, benign <0.15)]. Different missense changes at the same codon have been reported as of uncertain significance (ClinVar ID: VCV001331593). Therefore, this variant is classified as VUS according to the recommendation of ACMG/AMP guideline.

NM_004595.5(SMS):c.998G>A (p.Gly333Glu)

Gene: SMS (spermine synthase; plus strand). Cytogenetic location: Xp22.11.
Variant type: single nucleotide variant.
Coding change: c.998G>A on transcript NM_004595.5 (MANE Select); coding-DNA position 998, G replaced by A.
Protein change: p.Gly333Glu; replaces glycine 333 with glutamic acid.
Molecular consequence: missense variant.
Genome position (GRCh38, 1-based): chrX:21,992,649, G>A. VCF-style: chrX-21992649-G-A. GRCh37 (hg19) VCF-style: chrX-22010767-G-A.
Other names: c.839G>A, p.Gly280Glu (NM_001258423.2); short protein forms G280E, G333E.
Identifiers: ClinVar variation 4293552 (VCV004293552.1).